The following is an entry in ClinVar:

NM_000090.4(COL3A1):c.283C>A (p.Pro95Thr)

Gene: COL3A1 (collagen type III alpha 1 chain; plus strand). Cytogenetic location: 2q32.2.
Variant type: single nucleotide variant.
Coding change: c.283C>A on transcript NM_000090.4 (MANE Select); coding-DNA position 283, C replaced by A.
Protein change: p.Pro95Thr; replaces proline 95 with threonine.
Molecular consequence: missense variant.
Genome position (GRCh38, 1-based): chr2:188,985,197, C>A. VCF-style: chr2-188985197-C-A. GRCh37 (hg19) VCF-style: chr2-189849923-C-A.
Other names: short protein forms P95T.
Identifiers: ClinVar variation 919552 (VCV000919552.3), dbSNP rs1688039740, ClinGen allele CA349847498.

ClinVar aggregate classification (germline): Uncertain significance (1 of 4 stars; one submission).

Conditions:
Familial thoracic aortic aneurysm and aortic dissection (TAAD). Also called: Thoracic aortic aneurysms and dissections. Identifiers: Orphanet 91387, MedGen C4707243, MONDO:0019625.

Submission:

Color Diagnostics, LLC DBA Color Health
Classification: Uncertain significance for Familial thoracic aortic aneurysm and aortic dissection. Last evaluated: 2019-10-23. Review status: criteria provided, single submitter. Criteria: ACMG Guidelines, 2015. Collection method: clinical testing. Allele origin: germline.
Comment: This missense variant replaces proline with threonine at codon 95 of the COL3A1 protein. Computational prediction suggests that this variant may not impact protein structure and function (internally defined REVEL score threshold <= 0.5, PMID: 27666373). Splice site prediction tools suggest that this variant may not impact RNA splicing. To our knowledge, functional studies have not been performed for this variant. This variant has not been reported in individuals affected with cardiovascular disorders in the literature. This variant has not been identified in the general population by the Genome Aggregation Database (gnomAD). The available evidence is insufficient to determine the role of this variant in disease conclusively. Therefore, this variant is classified as a Variant of Uncertain Significance.